The following is an entry in ClinVar:

NC_000011.9:g.(?_77850520)_(77850634_?)del

Gene: ALG8 (ALG8 alpha-1,3-glucosyltransferase; minus strand). Cytogenetic location: 11q14.1.
Variant type: Deletion.
Identifiers: ClinVar variation 3244664 (VCV003244664.1).

ClinVar aggregate classification (germline): Pathogenic (1 of 4 stars; one submission).

Conditions:
ALG8 congenital disorder of glycosylation. Also called: CONGENITAL DISORDER OF GLYCOSYLATION, TYPE Ih; CDG Ih; ALG8-CDG. Identifiers: Orphanet 79325, MedGen C2931002, MONDO:0011969, OMIM 608104.

Submission:

Labcorp Genetics (formerly Invitae), Labcorp
Classification: Pathogenic for ALG8 congenital disorder of glycosylation. Last evaluated: 2024-01-07. Review status: criteria provided, single submitter. Criteria: Invitae Variant Classification Sherloc (09022015). Collection method: clinical testing. Allele origin: unknown.
Comment: This variant is a gross deletion of the genomic region encompassing exon(s) 1 of the ALG8 gene, which includes the initiator codon. This deletion extends beyond the assayed region for this gene and therefore may encompass additional genes. It is expected to result in an absent or disrupted protein product. Loss-of-function variants in ALG8 are known to be pathogenic (PMID: 19862844). This variant has not been reported in the literature in individuals affected with ALG8-related conditions. For these reasons, this variant has been classified as Pathogenic.

Literature cited by the submitters: PubMed 19862844.